The following is an entry in ClinVar:

ClinVar aggregate classification (germline): Pathogenic (1 of 4 stars; one submission).

Conditions:
Autosomal recessive nonsyndromic hearing loss 42. Identifiers: Orphanet 90636, MedGen C1864818, MONDO:0012326, OMIM 609646.

Submission:

Institute of Rare Diseases, West China Hospital, Sichuan University
Classification: Pathogenic for Autosomal recessive nonsyndromic hearing loss 42. Last evaluated: 2025-01-09. Review status: criteria provided, single submitter. Criteria: ClinGen HL ACMG Specifications v1. Collection method: research. Allele origin: germline. Affected: yes.
Comment: PVS1;PM3_Supporting;PM2_Supporting

NM_001199799.2(ILDR1):c.102_105del (p.Arg33_Tyr34insTer)

Gene: ILDR1 (immunoglobulin like domain containing receptor 1; minus strand). Cytogenetic location: 3q13.33.
Variant type: Deletion.
Coding change: c.102_105del on transcript NM_001199799.2 (MANE Select); coding-DNA positions 102 to 105, 4 bases deleted (TGTC; older notation c.102_105delTGTC).
Protein change: p.Arg33_Tyr34insTer.
Molecular consequence: nonsense.
Genome position (GRCh38, 1-based): chr3:122,007,115-122,007,118, GACA deleted on the plus strand (TGTC on the coding strand, the reverse complement: ILDR1 is on the minus strand). VCF-style (leftmost placement, unchanged base first): chr3-122007114-TGACA-T. GRCh37 (hg19) VCF-style: chr3-121725961-TGACA-T.
Other names: c.102_105del, p.Arg33_Tyr34insTer (NM_001199800.2, NM_175924.4).
Identifiers: ClinVar variation 3601173 (VCV003601173.1).